The following is an entry in ClinVar:

NM_000059.4(BRCA2):c.823A>G (p.Lys275Glu)

Gene: BRCA2 (BRCA2 DNA repair associated; plus strand). Cytogenetic location: 13q13.1.
Variant type: single nucleotide variant.
Coding change: c.823A>G on transcript NM_000059.4 (MANE Select); coding-DNA position 823, A replaced by G.
Protein change: p.Lys275Glu; replaces lysine 275 with glutamic acid.
Molecular consequence: missense variant.
Genome position (GRCh38, 1-based): chr13:32,332,301, A>G. VCF-style: chr13-32332301-A-G. GRCh37 (hg19) VCF-style: chr13-32906438-A-G.
Other names: c.823A>G, p.Lys275Glu (NM_001406719.1, NM_001406720.1, NM_001406721.1); short protein forms K275E.
Identifiers: ClinVar variation 2089445 (VCV002089445.6), dbSNP rs2137465051, ClinGen allele CA387760432.

ClinVar aggregate classification (germline): Conflicting classifications of pathogenicity. Review status: criteria provided, conflicting classifications (1 of 4 stars). 2 submissions from 2 submitters: Uncertain significance (1); Likely benign (1). Last evaluated 2023-03-23.

Conditions:
Hereditary cancer-predisposing syndrome. Also called: Tumor predisposition; Hereditary Cancer Syndrome; Hereditary neoplastic syndrome; Neoplastic Syndromes, Hereditary. Identifiers: Orphanet 140162, MedGen C0027672, MeSH D009386, MONDO:0015356.
Hereditary breast ovarian cancer syndrome. Also called: Hereditary breast and ovarian cancer syndrome; Breast and ovarian cancer; BRCA1- and BRCA2-Associated Hereditary Breast and Ovarian Cancer; Hereditary breast and ovarian cancer syndrome (HBOC); Hereditary breast and ovarian cancer; Hereditary breast and/or ovarian cancer syndrome. Identifiers: Orphanet 145, MedGen C0677776, MeSH D061325, MONDO:0003582. Disease mechanism: loss of function.

Allele frequency attached by ClinVar (database versions not stated): gnomAD exomes below 0.00001.

Submissions (2):

University of Washington Department of Laboratory Medicine, University of Washington
Classification: Likely benign for Hereditary cancer-predisposing syndrome. Last evaluated: 2023-03-23. Review status: criteria provided, single submitter. Criteria: Dines et al. (Genet Med. 2020). Collection method: curation. Allele origin: germline.
Comment: Missense variant in a coldspot region where missense variants are very unlikely to be pathogenic (PMID:31911673).

BRCA2 exon 10 coldspot. Reclassification based on statistical prior probability.

Labcorp Genetics (formerly Invitae), Labcorp
Classification: Uncertain significance for Hereditary breast ovarian cancer syndrome. Last evaluated: 2022-01-26. Review status: criteria provided, single submitter. Criteria: Invitae Variant Classification Sherloc (09022015). Collection method: clinical testing. Allele origin: germline.
Comment: Advanced modeling of protein sequence and biophysical properties (such as structural, functional, and spatial information, amino acid conservation, physicochemical variation, residue mobility, and thermodynamic stability) performed at Invitae indicates that this missense variant is not expected to disrupt BRCA2 protein function. In summary, the available evidence is currently insufficient to determine the role of this variant in disease. Therefore, it has been classified as a Variant of Uncertain Significance. This sequence change replaces lysine, which is basic and polar, with glutamic acid, which is acidic and polar, at codon 275 of the BRCA2 protein (p.Lys275Glu). This variant has not been reported in the literature in individuals affected with BRCA2-related conditions. This variant is not present in population databases (gnomAD no frequency).